The following is an entry in ClinVar:

ClinVar aggregate classification (germline): Likely benign (1 of 4 stars; one submission).

gnomAD v4.1: 2 of 1,613,980 alleles (0.00012%); highest among the groups gnomAD compares: Non-Finnish European, 0.00017%; no homozygotes.

Submission:

Mayo Clinic Laboratories, Mayo Clinic
Classification: Likely benign. Last evaluated: 2025-10-15. Review status: criteria provided, single submitter. Criteria: ACMG Guidelines, 2015. Collection method: clinical testing. Allele origin: germline. Observed: 1 variant allele.
Comment: BP4, BP7

NM_001130144.3(LTBP3):c.2354-6C>T

Gene: LTBP3 (latent transforming growth factor beta binding protein 3; minus strand). Cytogenetic location: 11q13.1.
Variant type: single nucleotide variant.
Coding change: c.2354-6C>T on transcript NM_001130144.3 (MANE Select); 6 bases into the intron before coding-DNA position 2354, C replaced by T.
Molecular consequence: intron variant.
Genome position (GRCh38, 1-based): chr11:65,543,555, G>A on the plus strand (C>T on the coding strand, the complement: LTBP3 is on the minus strand). VCF-style: chr11-65543555-G-A. GRCh37 (hg19) VCF-style: chr11-65311026-G-A.
Other names: p.?; c.2003-6C>T (NM_001164266.1); c.2354-6C>T (NM_021070.4).
Identifiers: ClinVar variation 4683635 (VCV004683635.1).